The following is an entry in ClinVar:

ClinVar aggregate classification (germline): Pathogenic. Review status: criteria provided, multiple submitters, no conflicts (2 of 4 stars). 2 submissions from 2 submitters: Pathogenic (2). Last evaluated 2024-08-05.

Conditions:
Hereditary spastic paraplegia 31. Also called: SPASTIC PARAPLEGIA 31, AUTOSOMAL DOMINANT. Identifiers: Orphanet 101011, MedGen C1853247, MONDO:0012453, OMIM 610250.

Submissions (2):

Labcorp Genetics (formerly Invitae), Labcorp
Classification: Pathogenic for Hereditary spastic paraplegia 31. Last evaluated: 2024-08-05. Review status: criteria provided, single submitter. Criteria: Invitae Variant Classification Sherloc (09022015). Collection method: clinical testing. Allele origin: germline.
Comment: This sequence change creates a premature translational stop signal (p.Tyr65*) in the REEP1 gene. It is expected to result in an absent or disrupted protein product. Loss-of-function variants in REEP1 are known to be pathogenic (PMID: 18321925, 18644145, 32655478). This variant is not present in population databases (gnomAD no frequency). This premature translational stop signal has been observed in individual(s) with hereditary spastic paraplegia (Invitae). ClinVar contains an entry for this variant (Variation ID: 951986). For these reasons, this variant has been classified as Pathogenic.

Athena Diagnostics
Classification: Pathogenic. Last evaluated: 2024-03-12. Review status: criteria provided, single submitter. Criteria: Athena Diagnostics Criteria. Collection method: clinical testing. Allele origin: unknown.
Comment: This variant is expected to result in the loss of a functional protein. This variant has been identified in at least one individual tested at Athena Diagnostics with clinical features associated with this gene. This variant has not been reported in large, multi-ethnic general populations.

Literature cited by the submitters: PubMed 18321925 (cited by Labcorp Genetics (formerly Invitae), Labcorp); PubMed 18644145 (cited by Labcorp Genetics (formerly Invitae), Labcorp); PubMed 32655478 (cited by Labcorp Genetics (formerly Invitae), Labcorp).

NM_001371279.1(REEP1):c.195T>A (p.Tyr65Ter)

Gene: REEP1 (receptor accessory protein 1; minus strand). Cytogenetic location: 2p11.2.
Variant type: single nucleotide variant.
Coding change: c.195T>A on transcript NM_001371279.1 (MANE Select); coding-DNA position 195, T replaced by A.
Protein change: p.Tyr65Ter; replaces tyrosine 65 with a stop codon.
Molecular consequence: nonsense. On other transcripts: intron variant (1).
Genome position (GRCh38, 1-based): chr2:86,254,802, A>T on the plus strand (T>A on the coding strand, the complement: REEP1 is on the minus strand). VCF-style: chr2-86254802-A-T. GRCh37 (hg19) VCF-style: chr2-86481925-A-T.
Other names: c.216T>A, p.Tyr72Ter (NM_001164730.2); c.114T>A, p.Tyr38Ter (NM_001164731.2); c.195T>A, p.Tyr65Ter (NM_001371280.1, NM_022912.3); c.182+9163T>A (NM_001164732.2); short protein forms Y65*, Y72*, Y38*.
Identifiers: ClinVar variation 951986 (VCV000951986.10), dbSNP rs1676463508, ClinGen allele CA347717637.